The following is an entry in ClinVar:

NM_007118.4(TRIO):c.4301T>A (p.Leu1434His)

Gene: TRIO (trio Rho guanine nucleotide exchange factor; plus strand). Cytogenetic location: 5p15.2.
Variant type: single nucleotide variant.
Coding change: c.4301T>A on transcript NM_007118.4 (MANE Select); coding-DNA position 4301, T replaced by A.
Protein change: p.Leu1434His; replaces leucine 1434 with histidine.
Molecular consequence: missense variant. On other transcripts: non-coding transcript variant (1).
Genome position (GRCh38, 1-based): chr5:14,394,120, T>A. VCF-style: chr5-14394120-T-A. GRCh37 (hg19) VCF-style: chr5-14394229-T-A.
Other names: short protein forms L1434H.
Identifiers: ClinVar variation 5006852 (VCV005006852.2).

ClinVar aggregate classification (germline): Uncertain significance (1 of 4 stars; one submission).

Conditions:
Intellectual developmental disorder, autosomal dominant 44, with microcephaly. Also called: Micrognathia-recurrent infections-behavioral abnormalities-mild intellectual disability syndrome; TRIO-Related Intellectual Disability. Identifiers: Orphanet 476126, MedGen C4310740, MONDO:0014892, OMIM 617061.
Intellectual developmental disorder, autosomal dominant 63, with macrocephaly. Also called: MENTAL RETARDATION, AUTOSOMAL DOMINANT 63, WITH MACROCEPHALY. Identifiers: MedGen C5394205, MONDO:0032939, OMIM 618825.

Submission:

Juno Genomics, Hangzhou Juno Genomics, Inc
Classification: Uncertain significance for Intellectual developmental disorder, autosomal dominant 44, with microcephaly; Intellectual developmental disorder, autosomal dominant 63, with macrocephaly. Review status: criteria provided, single submitter. Criteria: ACMG Guidelines, 2015. Collection method: clinical testing. Allele origin: germline.
Comment: Absent from controls (or at extremely low frequency if recessive) in Genome Aggregation Database.;Missense variant in a gene that has a low rate of benign missense variation.;Multiple lines of computational evidence support a deleterious effect on the gene or gene product.